The following is an entry in ClinVar:

NM_007209.4(RPL35):c.358G>A (p.Ala120Thr)

Gene: RPL35 (ribosomal protein L35; minus strand). Cytogenetic location: 9q33.3.
Variant type: single nucleotide variant.
Coding change: c.358G>A on transcript NM_007209.4 (MANE Select); coding-DNA position 358, G replaced by A.
Protein change: p.Ala120Thr; replaces alanine 120 with threonine.
Molecular consequence: missense variant.
Genome position (GRCh38, 1-based): chr9:124,857,932, C>T on the plus strand (G>A on the coding strand, the complement: RPL35 is on the minus strand). VCF-style: chr9-124857932-C-T. GRCh37 (hg19) VCF-style: chr9-127620211-C-T.
Other names: c.358G>A (NM_007209.3); short protein forms A120T.
Identifiers: ClinVar variation 3697992 (VCV003697992.3).
Genomic context (GRCh38, chr9:124,857,932, plus strand): 5'-AAACAAAGCAGTCTCAGCCAGCTGTGCTTTATTGACAATGCGCCCCTCAGGCCTTGACCG[C>T]GTACTTCCGCAGCGGGTACAGCCGCTCCTTCCGCTGCTGCTTCTTGGTCTTCAGGTTCTC-3'
Protein context (NP_009140.1, residues 110-123): KERLYPLRKY[Ala120Thr]VKA

ClinVar aggregate classification (germline): Uncertain significance. Review status: criteria provided, multiple submitters, no conflicts (2 of 4 stars). 2 submissions from 2 submitters: Uncertain significance (2). Last evaluated 2025-11-16.

gnomAD v4.1: 7 of 1,612,242 alleles (0.00043%); highest among the groups gnomAD compares: Middle Eastern, 0.023%; no homozygotes.

Submissions (2):

Labcorp Genetics (formerly Invitae), Labcorp
Classification: Uncertain significance. Last evaluated: 2025-11-16. Review status: criteria provided, single submitter. Criteria: Invitae Variant Classification Sherloc (09022015). Collection method: clinical testing. Allele origin: germline.
Comment: This sequence change replaces alanine, which is neutral and non-polar, with threonine, which is neutral and polar, at codon 120 of the RPL35 protein (p.Ala120Thr). This variant is present in population databases (no rsID available, gnomAD 0.002%). This variant has not been reported in the literature in individuals affected with RPL35-related conditions. ClinVar contains an entry for this variant (Variation ID: 3697992). An algorithm developed to predict the effect of missense changes on protein structure and function (PolyPhen-2) suggests that this variant is likely to be tolerated. In summary, the available evidence is currently insufficient to determine the role of this variant in disease. Therefore, it has been classified as a Variant of Uncertain Significance.

Ambry Genetics
Classification: Uncertain significance. Last evaluated: 2025-10-17. Review status: criteria provided, single submitter. Criteria: Ambry Variant Classification Scheme 2023. Collection method: clinical testing. Allele origin: germline.